The following is an entry in ClinVar:

NM_000181.4(GUSB):c.190T>C (p.Tyr64His)

Gene: GUSB (glucuronidase beta; minus strand). Cytogenetic location: 7q11.21.
Variant type: single nucleotide variant.
Coding change: c.190T>C on transcript NM_000181.4 (MANE Select); coding-DNA position 190, T replaced by C.
Protein change: p.Tyr64His; replaces tyrosine 64 with histidine.
Molecular consequence: missense variant. On other transcripts: 5 prime UTR variant (2), non-coding transcript variant (1).
Genome position (GRCh38, 1-based): chr7:65,981,994, A>G on the plus strand (T>C on the coding strand, the complement: GUSB is on the minus strand). VCF-style: chr7-65981994-A-G. GRCh37 (hg19) VCF-style: chr7-65446981-A-G.
Other names: c.190T>C, p.Tyr64His (NM_001284290.2); c.-196T>C (NM_001293104.2); c.-140T>C (NM_001293105.2); short protein forms Y64H.
Identifiers: ClinVar variation 452671 (VCV000452671.3), dbSNP rs1554312945, ClinGen allele CA367654638.

ClinVar aggregate classification (germline): Uncertain significance (1 of 4 stars; one submission).

Submission:

GeneDx
Classification: Uncertain significance. Last evaluated: 2020-12-02. Review status: criteria provided, single submitter. Criteria: GeneDx Variant Classification Process June 2021. Collection method: clinical testing. Allele origin: germline. Affected: yes.
Comment: Not observed in large population cohorts (Lek et al., 2016); In silico analysis supports that this missense variant has a deleterious effect on protein structure/function; Has not been previously published as pathogenic or benign to our knowledge